The following is an entry in ClinVar:

ClinVar aggregate classification (germline): Conflicting classifications of pathogenicity. Review status: criteria provided, conflicting classifications (1 of 4 stars). 2 submissions from 2 submitters: Likely pathogenic (1); Uncertain significance (1). Last evaluated 2024-04-08.

Conditions:
SOD1-related disorder. Also called: SOD1-related condition.
Amyotrophic lateral sclerosis type 1 (ALS1). Also called: AMYOTROPHIC LATERAL SCLEROSIS 1, FAMILIAL. Identifiers: Orphanet 803, MedGen C1862939, MONDO:0007103, OMIM 105400.

gnomAD v4.1: 22 of 1,612,564 alleles (0.0014%); highest among the groups gnomAD compares: Non-Finnish European, 0.0018%; no homozygotes.

Submissions (2):

Labcorp Genetics (formerly Invitae), Labcorp
Classification: Uncertain significance for Amyotrophic lateral sclerosis type 1. Last evaluated: 2024-04-08. Review status: criteria provided, single submitter. Criteria: Invitae Variant Classification Sherloc (09022015). Collection method: clinical testing. Allele origin: germline.
Comment: This sequence change replaces glycine, which is neutral and non-polar, with cysteine, which is neutral and slightly polar, at codon 73 of the SOD1 protein (p.Gly73Cys). This variant is not present in population databases (gnomAD no frequency). This missense change has been observed in individual(s) with clinical features of amyotrophic lateral sclerosis (PMID: 16435343, 22292843). This variant is also known as G72C. Advanced modeling of protein sequence and biophysical properties (such as structural, functional, and spatial information, amino acid conservation, physicochemical variation, residue mobility, and thermodynamic stability) performed at Invitae indicates that this missense variant is expected to disrupt SOD1 protein function with a positive predictive value of 95%. Experimental studies have shown that this missense change affects SOD1 function (PMID: 23280792). In summary, the available evidence is currently insufficient to determine the role of this variant in disease. Therefore, it has been classified as a Variant of Uncertain Significance.

Blueprint Genetics
Classification: Likely pathogenic for SOD1-related disorders. Last evaluated: 2018-03-07. Review status: criteria provided, single submitter. Criteria: ACMG Guidelines, 2015. Collection method: clinical testing. Allele origin: germline. Affected: yes. Observed: 1 variant allele.

Literature cited by the submitters: PubMed 16435343 (cited by Labcorp Genetics (formerly Invitae), Labcorp); PubMed 22292843 (cited by Labcorp Genetics (formerly Invitae), Labcorp); PubMed 23280792 (cited by Labcorp Genetics (formerly Invitae), Labcorp).

NM_000454.5(SOD1):c.217G>T (p.Gly73Cys)

Gene: SOD1 (superoxide dismutase 1; plus strand). Cytogenetic location: 21q22.11.
Variant type: single nucleotide variant.
Coding change: c.217G>T on transcript NM_000454.5 (MANE Select); coding-DNA position 217, G replaced by T.
Protein change: p.Gly73Cys; replaces glycine 73 with cysteine.
Molecular consequence: missense variant.
Genome position (GRCh38, 1-based): chr21:31,666,496, G>T. VCF-style: chr21-31666496-G-T. GRCh37 (hg19) VCF-style: chr21-33038809-G-T.
Other names: short protein forms G73C.
Identifiers: ClinVar variation 3723827 (VCV003723827.3).
Genomic context (GRCh38, chr21:31,666,496, plus strand): 5'-TTCTTATAAATAGGCTGTACCAGTGCAGGTCCTCACTTTAATCCTCTATCCAGAAAACAC[G>T]GTGGGCCAAAGGATGAAGAGAGGTAACAAGATGCTTAACTCTTGTAATAATGGCGATAGC-3'
Protein context (NP_000445.1, residues 63-83): PHFNPLSRKH[Gly73Cys]GPKDEERHVG